The following is an entry in ClinVar:

ClinVar aggregate classification (germline): Uncertain significance (1 of 4 stars; one submission).

Conditions:
Early Myoclonic Encephalopathy. Identifiers: MedGen C0270855.

Allele frequency attached by ClinVar (database versions not stated): ExAC 0.00002; gnomAD exomes below 0.00001 and 0.00001.
gnomAD v4.1: 3 of 1,614,104 alleles (0.00019%); highest among the groups gnomAD compares: Non-Finnish European, 0.00025%; no homozygotes.

Submission:

Labcorp Genetics (formerly Invitae), Labcorp
Classification: Uncertain significance for Early Myoclonic Encephalopathy. Last evaluated: 2020-03-10. Review status: criteria provided, single submitter. Criteria: Invitae Variant Classification Sherloc (09022015). Collection method: clinical testing. Allele origin: germline.
Comment: In summary, the available evidence is currently insufficient to determine the role of this variant in disease. Therefore, it has been classified as a Variant of Uncertain Significance. Algorithms developed to predict the effect of missense changes on protein structure and function are either unavailable or do not agree on the potential impact of this missense change (SIFT: "Deleterious"; PolyPhen-2: "Possibly Damaging"; Align-GVGD: "Class C0"). This variant has not been reported in the literature in individuals with KCND2-related conditions. This variant is present in population databases (rs751823176, ExAC 0.01%). This sequence change replaces arginine with cysteine at codon 51 of the KCND2 protein (p.Arg51Cys). The arginine residue is moderately conserved and there is a large physicochemical difference between arginine and cysteine.

NM_012281.3(KCND2):c.151C>T (p.Arg51Cys)

Gene: KCND2 (potassium voltage-gated channel subfamily D member 2; plus strand). Cytogenetic location: 7q31.31.
Variant type: single nucleotide variant.
Coding change: c.151C>T on transcript NM_012281.3 (MANE Select); coding-DNA position 151, C replaced by T.
Protein change: p.Arg51Cys; replaces arginine 51 with cysteine.
Molecular consequence: missense variant.
Genome position (GRCh38, 1-based): chr7:120,274,783, C>T. VCF-style: chr7-120274783-C-T. GRCh37 (hg19) VCF-style: chr7-119914837-C-T.
Other names: short protein forms R51C.
Identifiers: ClinVar variation 1018504 (VCV001018504.8), dbSNP rs751823176, ClinGen allele CA4453472.